The following is an entry in ClinVar:

NM_001943.5(DSG2):c.82-3T>C

Gene: DSG2 (desmoglein 2; plus strand). Cytogenetic location: 18q12.1.
Variant type: single nucleotide variant.
Coding change: c.82-3T>C on transcript NM_001943.5 (MANE Select); 3 bases into the intron before coding-DNA position 82, T replaced by C.
Molecular consequence: intron variant.
Genome position (GRCh38, 1-based): chr18:31,519,800, T>C. VCF-style: chr18-31519800-T-C. GRCh37 (hg19) VCF-style: chr18-29099763-T-C.
Identifiers: ClinVar variation 922662 (VCV000922662.12), dbSNP rs370099811, ClinGen allele CA050127.

ClinVar aggregate classification (germline): Conflicting classifications of pathogenicity. Review status: criteria provided, conflicting classifications (1 of 4 stars). 3 submissions from 3 submitters: Uncertain significance (2); Likely benign (1). Last evaluated 2026-01-28.

Conditions:
Cardiomyopathy (CMYO). Also called: Cardiomyopathies. Identifiers: Orphanet 167848, MedGen C0878544, MONDO:0004994, HP:0001638. Inheritance: Various modes of inheritance.
Cardiovascular phenotype. Identifiers: MedGen CN230736.
Arrhythmogenic right ventricular dysplasia 10. Also called: Arrhythmogenic right ventricular dysplasia/cardiomyopathy, type 10; Arrhythmogenic Right Ventricular Dysplasia/Cardiomyopathy10; ARRHYTHMOGENIC RIGHT VENTRICULAR DYSPLASIA, FAMILIAL, 10. Identifiers: MedGen C1857777, MONDO:0012434, OMIM 610193.

Allele frequency attached by ClinVar (database versions not stated): gnomAD exomes below 0.00001; ExAC 0.00001; gnomAD 0.00001; TOPMed 0.00002; ESP Exome Variant Server 0.00008.
gnomAD v4.1: 6 of 1,613,944 alleles (0.00037%); highest among the groups gnomAD compares: African/African-American, 0.004%; no homozygotes.

Submissions (3):

Labcorp Genetics (formerly Invitae), Labcorp
Classification: Uncertain significance for Arrhythmogenic right ventricular dysplasia 10. Last evaluated: 2026-01-28. Review status: criteria provided, single submitter. Criteria: Invitae Variant Classification Sherloc (09022015). Collection method: clinical testing. Allele origin: germline.
Comment: This sequence change falls in intron 2 of the DSG2 gene. It does not directly change the encoded amino acid sequence of the DSG2 protein. It affects a nucleotide within the consensus splice site. This variant is present in population databases (rs370099811, gnomAD 0.01%). This variant has not been reported in the literature in individuals affected with DSG2-related conditions. ClinVar contains an entry for this variant (Variation ID: 922662). Variants that disrupt the consensus splice site are a relatively common cause of aberrant splicing (PMID: 17576681, 9536098). Algorithms developed to predict the effect of sequence changes on RNA splicing suggest that this variant is not likely to affect RNA splicing. In summary, the available evidence is currently insufficient to determine the role of this variant in disease. Therefore, it has been classified as a Variant of Uncertain Significance.

Ambry Genetics
Classification: Uncertain significance for Cardiovascular phenotype. Last evaluated: 2025-12-12. Review status: criteria provided, single submitter. Criteria: Ambry Variant Classification Scheme 2023. Collection method: clinical testing. Allele origin: germline.
Comment: The c.82-3T>C intronic variant results from a T to C substitution 3 nucleotides upstream from coding exon 3 in the DSG2 gene. This nucleotide position is not well conserved in available vertebrate species. In silico splice site analysis predicts that this alteration will not have any significant effect on splicing. Based on the available evidence, the clinical significance of this variant remains unclear.

Color Diagnostics, LLC DBA Color Health
Classification: Likely benign for Cardiomyopathy. Last evaluated: 2019-03-19. Review status: criteria provided, single submitter. Criteria: ACMG Guidelines, 2015. Collection method: clinical testing. Allele origin: germline.

Literature cited by the submitters: PubMed 17576681 (cited by Labcorp Genetics (formerly Invitae), Labcorp); PubMed 9536098 (cited by Labcorp Genetics (formerly Invitae), Labcorp).